The following is an entry in ClinVar:

NM_000392.5(ABCC2):c.3599G>A (p.Trp1200Ter)

Gene: ABCC2 (ATP binding cassette subfamily C member 2; plus strand). Cytogenetic location: 10q24.2.
Variant type: single nucleotide variant.
Coding change: c.3599G>A on transcript NM_000392.5 (MANE Select); coding-DNA position 3599, G replaced by A.
Protein change: p.Trp1200Ter; replaces tryptophan 1200 with a stop codon.
Molecular consequence: nonsense.
Genome position (GRCh38, 1-based): chr10:99,836,275, G>A. VCF-style: chr10-99836275-G-A. GRCh37 (hg19) VCF-style: chr10-101596032-G-A.
Other names: c.3599G>A, p.Trp1200Ter (LRG_1208t1); short protein forms W1200*.
Identifiers: ClinVar variation 498804 (VCV000498804.6), dbSNP rs577353173, ClinGen allele CA212862284.

ClinVar aggregate classification (germline): Pathogenic. Review status: criteria provided, multiple submitters, no conflicts (2 of 4 stars). 2 submissions from 2 submitters: Pathogenic (2). Last evaluated 2024-12-26.

Conditions:
Dubin-Johnson syndrome (DJS). Also called: Hyperbilirubinemia type 2; HYPERBILIRUBINEMIA, DUBIN-JOHNSON TYPE; Jaundice, Chronic Idiopathic. Identifiers: Orphanet 234, MedGen C0022350, MONDO:0009380, OMIM 237500.

Submissions (2):

Women's Health and Genetics/Laboratory Corporation of America, LabCorp
Classification: Pathogenic for Dubin-Johnson syndrome. Last evaluated: 2024-12-26. Review status: criteria provided, single submitter. Criteria: LabCorp Variant Classification Summary - May 2015. Collection method: clinical testing. Allele origin: germline.
Comment: Variant summary: ABCC2 c.3599G>A (p.Trp1200X) results in a premature termination codon, predicted to cause absence of the protein due to nonsense mediated decay, which is a commonly known mechanism for disease. The variant was absent in 251490 control chromosomes (gnomAD). c.3599G>A has been reported in the literature in an individual affected with Dubin-Johnson Syndrome (Corpechot_2019). The following publication have been ascertained in the context of this evaluation (PMID: 31544333). ClinVar contains an entry for this variant (Variation ID: 498804). Based on the evidence outlined above, the variant was classified as pathogenic.

Eurofins Ntd Llc (ga)
Classification: Pathogenic. Last evaluated: 2016-11-22. Review status: criteria provided, single submitter. Criteria: EGL Classification Definitions 2015. Collection method: clinical testing. Allele origin: germline. Observed: 1 variant allele, 1 heterozygote.

Literature cited by the submitters: PubMed 31544333 (cited by Women's Health and Genetics/Laboratory Corporation of America, LabCorp).